The following is an entry in ClinVar:

NM_000038.6(APC):c.8005C>T (p.Pro2669Ser)

Gene: APC (APC regulator of Wnt signaling pathway; plus strand). Cytogenetic location: 5q22.2.
Variant type: single nucleotide variant.
Coding change: c.8005C>T on transcript NM_000038.6 (MANE Select); coding-DNA position 8005, C replaced by T.
Protein change: p.Pro2669Ser; replaces proline 2669 with serine.
Molecular consequence: missense variant.
Genome position (GRCh38, 1-based): chr5:112,843,599, C>T. VCF-style: chr5-112843599-C-T. GRCh37 (hg19) VCF-style: chr5-112179296-C-T.
Other names: c.8005C>T, p.Pro2669Ser (NM_001127510.3, NM_001354895.2); c.7951C>T, p.Pro2651Ser (NM_001127511.3); c.8059C>T, p.Pro2687Ser (NM_001354896.2); c.8035C>T, p.Pro2679Ser (NM_001354897.2); c.7930C>T, p.Pro2644Ser (NM_001354898.2); c.7921C>T, p.Pro2641Ser (NM_001354899.2); c.7882C>T, p.Pro2628Ser (NM_001354900.2); c.7828C>T, p.Pro2610Ser (NM_001354901.2); and 6 more; short protein forms P2386S, P2509S, P2543S, P2568S, P2578S, P2610S, P2628S, P2641S.
Identifiers: ClinVar variation 1025683 (VCV001025683.12), dbSNP rs1580689042, ClinGen allele CA16038723.

ClinVar aggregate classification (germline): Uncertain significance. Review status: criteria provided, multiple submitters, no conflicts (2 of 4 stars). 3 submissions from 3 submitters: Uncertain significance (3). Last evaluated 2024-09-20.

Conditions:
Hereditary cancer-predisposing syndrome. Also called: Neoplastic Syndromes, Hereditary; Tumor predisposition; Hereditary Cancer Syndrome; Hereditary neoplastic syndrome. Identifiers: Orphanet 140162, MedGen C0027672, MeSH D009386, MONDO:0015356.
Classic or attenuated familial adenomatous polyposis. Identifiers: MedGen CN372698, MONDO:0021057.
Familial adenomatous polyposis 1 (FAP1). Also called: FAMILIAL ADENOMATOUS POLYPOSIS 1, ATTENUATED; POLYPOSIS, ADENOMATOUS INTESTINAL. Identifiers: MedGen C2713442, MONDO:0021056, OMIM 175100. Disease mechanism: loss of function.

Submissions (3):

Ambry Genetics
Classification: Uncertain significance for Hereditary cancer-predisposing syndrome. Last evaluated: 2024-09-20. Review status: criteria provided, single submitter. Criteria: Ambry Variant Classification Scheme 2023. Collection method: clinical testing. Allele origin: germline.
Comment: The p.P2669S variant (also known as c.8005C>T), located in coding exon 15 of the APC gene, results from a C to T substitution at nucleotide position 8005. The proline at codon 2669 is replaced by serine, an amino acid with similar properties. This amino acid position is highly conserved in available vertebrate species. In addition, in silico predictors for this gene do not accurately predict pathogenicity. Missense alterations in APC are not a common cause of disease (Spier I et al. Genet Med. 2024 Feb;26(2):100992). Based on the available evidence, the clinical significance of this variant remains unclear.

All of Us Research Program, National Institutes of Health
Classification: Uncertain significance for Classic or attenuated familial adenomatous polyposis. Last evaluated: 2023-11-20. Review status: criteria provided, single submitter. Criteria: ACMG Guidelines, 2015. Collection method: clinical testing. Allele origin: germline. Inheritance: Autosomal dominant inheritance. Observed: 1 variant allele, 1 heterozygote.
Comment: This missense variant replaces proline with serine at codon 2669 of the APC protein. Computational prediction suggests that this variant may not impact protein structure and function (internally defined REVEL score threshold <= 0.5, PMID: 27666373). To our knowledge, functional studies have not been reported for this variant. This variant has not been reported in individuals affected with APC-related disorders in the literature. This variant has not been identified in the general population by the Genome Aggregation Database (gnomAD). The available evidence is insufficient to determine the role of this variant in disease conclusively. Therefore, this variant is classified as a Variant of Uncertain Significance.

This study involves interpretation of variants in research participants for the purpose of population health screening. Participant phenotype was not available at the time of variant classification. Additional details can be found in publication PMID: 35346344, PMCID: PMC8962531

Labcorp Genetics (formerly Invitae), Labcorp
Classification: Uncertain significance for Familial adenomatous polyposis 1. Last evaluated: 2021-07-21. Review status: criteria provided, single submitter. Criteria: Invitae Variant Classification Sherloc (09022015). Collection method: clinical testing. Allele origin: germline.
Comment: This sequence change replaces proline with serine at codon 2669 of the APC protein (p.Pro2669Ser). The proline residue is highly conserved and there is a moderate physicochemical difference between proline and serine. This variant is not present in population databases (ExAC no frequency). This variant has not been reported in the literature in individuals with APC-related conditions. Algorithms developed to predict the effect of missense changes on protein structure and function are either unavailable or do not agree on the potential impact of this missense change (SIFT: "Tolerated"; PolyPhen-2: "Probably Damaging"; Align-GVGD: "Class C15"). In summary, the available evidence is currently insufficient to determine the role of this variant in disease. Therefore, it has been classified as a Variant of Uncertain Significance.